The following is an entry in ClinVar:

ClinVar aggregate classification (germline): Uncertain significance. Review status: criteria provided, multiple submitters, no conflicts (2 of 4 stars). 2 submissions from 2 submitters: Uncertain significance (2). Last evaluated 2024-01-29.

Conditions:
Nephronophthisis 18 (NPHP18). Identifiers: Orphanet 655, MedGen C3890591, MONDO:0014374, OMIM 615862.

Allele frequency attached by ClinVar (database versions not stated): gnomAD exomes below 0.00001 and 0.00002; ExAC 0.00002; TOPMed 0.00002; gnomAD 0.00003; 1000 Genomes Project 0.00020; 1000 Genomes Project 30x 0.00031.
gnomAD v4.1: 8 of 1,605,752 alleles (0.0005%); highest among the groups gnomAD compares: African/African-American, 0.0067%; no homozygotes.

Submissions (2):

GeneDx
Classification: Uncertain significance. Last evaluated: 2024-01-29. Review status: criteria provided, single submitter. Criteria: GeneDx Variant Classification Process June 2021. Collection method: clinical testing. Allele origin: germline. Affected: yes.
Comment: In silico analysis supports that this missense variant has a deleterious effect on protein structure/function; Has not been previously published as pathogenic or benign to our knowledge

Labcorp Genetics (formerly Invitae), Labcorp
Classification: Uncertain significance for Nephronophthisis 18. Last evaluated: 2023-11-13. Review status: criteria provided, single submitter. Criteria: Invitae Variant Classification Sherloc (09022015). Collection method: clinical testing. Allele origin: germline.
Comment: This sequence change replaces arginine, which is basic and polar, with threonine, which is neutral and polar, at codon 339 of the CEP83 protein (p.Arg339Thr). This variant is present in population databases (rs530002505, gnomAD 0.008%). This variant has not been reported in the literature in individuals affected with CEP83-related conditions. ClinVar contains an entry for this variant (Variation ID: 1364377). Advanced modeling of protein sequence and biophysical properties (such as structural, functional, and spatial information, amino acid conservation, physicochemical variation, residue mobility, and thermodynamic stability) performed at Invitae indicates that this missense variant is expected to disrupt CEP83 protein function with a positive predictive value of 80%. In summary, the available evidence is currently insufficient to determine the role of this variant in disease. Therefore, it has been classified as a Variant of Uncertain Significance.

NM_016122.3(CEP83):c.1016G>C (p.Arg339Thr)

Gene: CEP83 (centrosomal protein 83; minus strand). Cytogenetic location: 12q22.
Variant type: single nucleotide variant.
Coding change: c.1016G>C on transcript NM_016122.3 (MANE Select); coding-DNA position 1016, G replaced by C.
Protein change: p.Arg339Thr; replaces arginine 339 with threonine.
Molecular consequence: missense variant. On other transcripts: non-coding transcript variant (2).
Genome position (GRCh38, 1-based): chr12:94,369,954, C>G on the plus strand (G>C on the coding strand, the complement: CEP83 is on the minus strand). VCF-style: chr12-94369954-C-G. GRCh37 (hg19) VCF-style: chr12-94763730-C-G.
Other names: c.1016G>C, p.Arg339Thr (NM_001042399.2, NM_001346457.2, NM_001346460.2 and 3 more transcripts); c.704G>C, p.Arg235Thr (NM_001346458.2, NM_001346459.2, NM_001346462.2 and 2 more transcripts); c.791G>C, p.Arg264Thr (NM_001368041.1); c.479G>C, p.Arg160Thr (NM_001368042.1); c.1016G>C (NM_016122.2); short protein forms R160T, R339T, R235T, R264T.
Identifiers: ClinVar variation 1364377 (VCV001364377.7), dbSNP rs530002505, ClinGen allele CA6721777.